The following is an entry in ClinVar:

NM_000477.7(ALB):c.412C>T (p.Arg138Ter)

Gene: ALB (albumin; plus strand). Cytogenetic location: 4q13.3.
Variant type: single nucleotide variant.
Coding change: c.412C>T on transcript NM_000477.7 (MANE Select); coding-DNA position 412, C replaced by T.
Protein change: p.Arg138Ter; replaces arginine 138 with a stop codon.
Molecular consequence: nonsense.
Genome position (GRCh38, 1-based): chr4:73,408,735, C>T. VCF-style: chr4-73408735-C-T. GRCh37 (hg19) VCF-style: chr4-74274452-C-T.
Other names: R114*; short protein forms R138*.
Identifiers: ClinVar variation 156320 (VCV000156320.6), dbSNP rs77238412, ClinGen allele CA170827.

ClinVar aggregate classification (germline): Pathogenic. Review status: criteria provided, multiple submitters, no conflicts (2 of 4 stars). 4 submissions from 4 submitters: Pathogenic (2). 2 of the submissions do not count toward it. Last evaluated 2023-09-30.

Conditions:
Analbuminemia (ANALBA). Also called: Analbuminemia, American Indian type; Analbuminemia, Vancouver. Identifiers: Orphanet 86816, MedGen C0878666, OMIM 616000.

Allele frequency attached by ClinVar (database versions not stated): gnomAD 0.00002 and 0.00003; TOPMed 0.00003; gnomAD exomes below 0.00001 and 0.00001; ExAC 0.00001.
gnomAD v4.1: 14 of 1,613,896 alleles (0.00087%); highest among the groups gnomAD compares: African/African-American, 0.0013%; no homozygotes.

Submissions (4):

GeneDx
Classification: Pathogenic. Last evaluated: 2023-09-30. Review status: criteria provided, single submitter. Criteria: GeneDx Variant Classification Process June 2021. Collection method: clinical testing. Allele origin: germline. Affected: yes.
Comment: Nonsense variant predicted to result in protein truncation or nonsense mediated decay in a gene for which loss-of-function is a known mechanism of disease; Not observed at significant frequency in large population cohorts (gnomAD); This variant is associated with the following publications: (PMID: 34662886, 25525159, 7937781, 20415703, 15996651, 15300429, 30609409, 32181025, 32553838)

Laboratory for Molecular Medicine, Mass General Brigham Personalized Medicine
Classification: Pathogenic for Congenital analbuminemia. Last evaluated: 2016-03-02. Review status: criteria provided, single submitter. Criteria: LMM Criteria. Collection method: clinical testing. Allele origin: germline. Inheritance: Autosomal recessive inheritance. Observed: 1 variant allele.
Comment: The p.Arg138X variant in ALB has been reported in 2 homozygous individuals with congenital analbuminemia Watkins 1994, Campagnoli 2005). This variant has also b een identified in 1/66370 of European chromosomes by the Exome Aggregation Conso rtium (ExAC; dbSNP rs77238412). Although this v ariant has been seen in the general population, its frequency is low enough to b e consistent with a recessive carrier frequency. This nonsense variant leads to a premature termination codon at position 138, which is predicted to lead to a t runcated or absent protein. In summary, this variant meets our criteria to be cl assified as pathogenic for congenital analbuminemia in an autosomal recessive ma nner based upon reports in affected individuals and predicted functional impact on the protein.

OMIM
Classification: Pathogenic for ANALBUMINEMIA BETHESDA. Last evaluated: 1994-03-15. Review status: no assertion criteria provided. Collection method: literature only. Allele origin: germline. Not counted in ClinVar's aggregate classification.

ClinVar Staff, National Center for Biotechnology Information (NCBI)
No classification provided. Review status: no classification provided. Collection method: not provided. Allele origin: unknown. Not counted in ClinVar's aggregate classification.

Literature cited by the submitters: PubMed 7937781 (cited by Laboratory for Molecular Medicine, Mass General Brigham Personalized Medicine); PubMed 15996651 (cited by Laboratory for Molecular Medicine, Mass General Brigham Personalized Medicine); PubMed 15300429 (cited by Laboratory for Molecular Medicine, Mass General Brigham Personalized Medicine); Gordon, R. S., Bartter, F. C., Waldmann, T. Idiopathic hypoalbuminemias: clinical staff conference at the National Institutes of Health. Ann. Intern. Med. 51: 553-576, 1959. (cited by OMIM); PubMed 8134387 (cited by OMIM).